The following is an entry in ClinVar:

NM_002839.4(PTPRD):c.3504+2T>C

Gene: PTPRD (protein tyrosine phosphatase receptor type D; minus strand). Cytogenetic location: 9p24.1.
Variant type: single nucleotide variant.
Coding change: c.3504+2T>C on transcript NM_002839.4 (MANE Select); the canonical splice donor site of the intron after coding-DNA position 3504, T replaced by C.
Molecular consequence: splice donor variant.
Genome position (GRCh38, 1-based): chr9:8,470,993, A>G on the plus strand (T>C on the coding strand, the complement: PTPRD is on the minus strand). VCF-style: chr9-8470993-A-G. GRCh37 (hg19) VCF-style: chr9-8470993-A-G.
Other names: c.2241+2T>C (NM_001171025.2); c.2253+2T>C (NM_001377946.1); c.3504+2T>C (NM_001378058.1); c.3507+2T>C (NM_001377958.1); c.2265+2T>C (NM_001377947.1); c.2271+2T>C (NM_130391.4, NM_130392.3); c.2262+2T>C (NM_001040712.2); c.2256+2T>C (NM_130393.3).
Identifiers: ClinVar variation 4997062 (VCV004997062.1).

ClinVar aggregate classification (germline): Uncertain significance (1 of 4 stars; one submission).

Conditions:
PTPRD-related disorder. Also called: PTPRD-related condition.

Submission:

PreventionGenetics, part of Exact Sciences
Classification: Uncertain significance for PTPRD-related condition. Last evaluated: 2025-04-24. Review status: criteria provided, single submitter. Criteria: ACMG Guidelines, 2015. Collection method: clinical testing. Allele origin: germline.
Comment: The PTPRD c.3504+2T>C variant is predicted to disrupt the GT donor site and interfere with normal splicing. To our knowledge, this variant has not been reported in the literature or in a large population database (gnomAD), indicating this variant is rare. This variant is predicted to alter splicing based on available splicing prediction programs (SpliceAI, Jaganathan et al. 2019. PubMed ID: 30661751). However, the use of computer prediction programs is not equivalent to functional evidence. At this time, the clinical significance of this variant is uncertain due to the absence of conclusive functional and genetic evidence.